The following is an entry in ClinVar:

ClinVar aggregate classification (germline): Uncertain significance (1 of 4 stars; one submission).

Conditions:
Fanconi anemia complementation group E (FANCE). Also called: FANCE-Related Fanconi Anemia. Identifiers: Orphanet 84, MedGen C3160739, MONDO:0010953, OMIM 600901.

Submission:

Labcorp Genetics (formerly Invitae), Labcorp
Classification: Uncertain significance for Fanconi anemia complementation group E. Last evaluated: 2022-08-23. Review status: criteria provided, single submitter. Criteria: Invitae Variant Classification Sherloc (09022015). Collection method: clinical testing. Allele origin: germline.
Comment: ClinVar contains an entry for this variant (Variation ID: 1014467). This variant has not been reported in the literature in individuals affected with FANCE-related conditions. This variant is not present in population databases (gnomAD no frequency). This sequence change replaces isoleucine, which is neutral and non-polar, with leucine, which is neutral and non-polar, at codon 93 of the FANCE protein (p.Ile93Leu). Algorithms developed to predict the effect of missense changes on protein structure and function output the following: SIFT: "Tolerated"; PolyPhen-2: "Benign"; Align-GVGD: "Class C0". The leucine amino acid residue is found in multiple mammalian species, which suggests that this missense change does not adversely affect protein function. In summary, the available evidence is currently insufficient to determine the role of this variant in disease. Therefore, it has been classified as a Variant of Uncertain Significance.

NM_021922.3(FANCE):c.277A>T (p.Ile93Leu)

Gene: FANCE (FA complementation group E; plus strand). Cytogenetic location: 6p21.31.
Variant type: single nucleotide variant.
Coding change: c.277A>T on transcript NM_021922.3 (MANE Select); coding-DNA position 277, A replaced by T.
Protein change: p.Ile93Leu; replaces isoleucine 93 with leucine.
Molecular consequence: missense variant.
Genome position (GRCh38, 1-based): chr6:35,455,775, A>T. VCF-style: chr6-35455775-A-T. GRCh37 (hg19) VCF-style: chr6-35423552-A-T.
Other names: short protein forms I93L.
Identifiers: ClinVar variation 1014467 (VCV001014467.8), dbSNP rs1767301656, ClinGen allele CA363772420.
Genomic context (GRCh38, chr6:35,455,775, plus strand): 5'-ACTTAACTGCTTGCTCTCCCTCTGCTACCCAGGAAACCACTGTTGCTGCGATTGCCCCGG[A>T]TATGCCAGAGGAACCTGATGTCCCTGCTGATGGCCGTTCGGCCATCGCTGCCGGAAAGTG-3'
Protein context (NP_068741.1, residues 83-103): LKPLLLRLPR[Ile93Leu]CQRNLMSLLM